The following is an entry in ClinVar:

NM_000553.6(WRN):c.2927A>G (p.Lys976Arg)

Gene: WRN (WRN RecQ like helicase; plus strand). Cytogenetic location: 8p12.
Variant type: single nucleotide variant.
Coding change: c.2927A>G on transcript NM_000553.6 (MANE Select); coding-DNA position 2927, A replaced by G.
Protein change: p.Lys976Arg; replaces lysine 976 with arginine.
Molecular consequence: missense variant.
Genome position (GRCh38, 1-based): chr8:31,132,466, A>G. VCF-style: chr8-31132466-A-G. GRCh37 (hg19) VCF-style: chr8-30989982-A-G.
Other names: short protein forms K976R.
Identifiers: ClinVar variation 944981 (VCV000944981.5), dbSNP rs1802219508, ClinGen allele CA370919157.
Genomic context (GRCh38, chr8:31,132,466, plus strand): 5'-CCTGGGACTTTGGTCCACAAGCATTTAAGCTTTTGTCTGCTGTGGACATCTTAGGCGAAA[A>G]ATTTGGAATTGGGCTTCCAATTTTATTTCTCCGAGGATCTGTAAGTATATATCTGTGAAT-3'
Protein context (NP_000544.2, residues 966-986): LLSAVDILGE[Lys976Arg]FGIGLPILFL

ClinVar aggregate classification (germline): Uncertain significance (1 of 4 stars; one submission).

Conditions:
Werner syndrome (WRN). Identifiers: Orphanet 902, MedGen C0043119, MONDO:0010196, OMIM 277700.

Submission:

Labcorp Genetics (formerly Invitae), Labcorp
Classification: Uncertain significance for Werner syndrome. Last evaluated: 2024-03-10. Review status: criteria provided, single submitter. Criteria: Invitae Variant Classification Sherloc (09022015). Collection method: clinical testing. Allele origin: germline.
Comment: This sequence change replaces lysine, which is basic and polar, with arginine, which is basic and polar, at codon 976 of the WRN protein (p.Lys976Arg). This variant is not present in population databases (gnomAD no frequency). This variant has not been reported in the literature in individuals affected with WRN-related conditions. ClinVar contains an entry for this variant (Variation ID: 944981). Algorithms developed to predict the effect of missense changes on protein structure and function output the following: SIFT: "Not Available"; PolyPhen-2: "Benign"; Align-GVGD: "Not Available". The arginine amino acid residue is found in multiple mammalian species, which suggests that this missense change does not adversely affect protein function. In summary, the available evidence is currently insufficient to determine the role of this variant in disease. Therefore, it has been classified as a Variant of Uncertain Significance.